The following is an entry in ClinVar:

NM_003239.5(TGFB3):c.170dup (p.Pro57_Glu58insTer)

Gene: TGFB3 (transforming growth factor beta 3; minus strand). Cytogenetic location: 14q24.3.
Variant type: Duplication.
Coding change: c.170dup on transcript NM_003239.5 (MANE Select); coding-DNA position 170, one base duplicated (C; older notation c.170dupC).
Protein change: p.Pro57_Glu58insTer.
Molecular consequence: frameshift variant.
Genome position (GRCh38, 1-based): chr14:75,980,724, G duplicated on the plus strand (C on the coding strand, the reverse complement: TGFB3 is on the minus strand); the first of 6 consecutive G bases (chr14:75,980,724-75,980,729); duplicating any one gives the same sequence. VCF-style (leftmost placement, unchanged base first): chr14-75980723-A-AG. GRCh37 (hg19) VCF-style: chr14-76447066-A-AG.
Other names: c.170dup, p.Pro57_Glu58insTer (NM_001329938.2, NM_001329939.2).
Identifiers: ClinVar variation 1075580 (VCV001075580.7), dbSNP rs2140254449, ClinGen allele CA2499222738.
Genomic context (GRCh38, chr14:75,980,723, plus strand): 5'-CCGGGTGCTGTTGTAAAGGGCCAGGACCTGATAGGGGACGTGGGTCATCACCGTTGGCTC[A>AG]GGGGGGCTGGTGAGCCTGAGCTTGCTCAAGATCTGTCCCCTAATGGCTTCCACCCTCTTC-3'

ClinVar aggregate classification (germline): Pathogenic (1 of 4 stars; one submission).

Conditions:
Rienhoff syndrome. Also called: LOEYS-DIETZ SYNDROME 5. Identifiers: MedGen C3810012, MONDO:0014262, OMIM 615582.

Submission:

Labcorp Genetics (formerly Invitae), Labcorp
Classification: Pathogenic for Rienhoff syndrome. Last evaluated: 2022-04-15. Review status: criteria provided, single submitter. Criteria: Invitae Variant Classification Sherloc (09022015). Collection method: clinical testing. Allele origin: germline.
Comment: ClinVar contains an entry for this variant (Variation ID: 1075580). This premature translational stop signal has been observed in individual(s) with TGFB3-related conditions (PMID: 31898322). This variant is not present in population databases (gnomAD no frequency). This sequence change creates a premature translational stop signal (p.Glu58*) in the TGFB3 gene. It is expected to result in an absent or disrupted protein product. Loss-of-function variants in TGFB3 are known to be pathogenic (PMID: 25835445, 26188975). Algorithms developed to predict the effect of sequence changes on RNA splicing suggest that this variant may create or strengthen a splice site. For these reasons, this variant has been classified as Pathogenic.

Literature cited by the submitters: PubMed 31898322; PubMed 25835445; PubMed 26188975.